The following is an entry in ClinVar:

NM_004260.4(RECQL4):c.1391-3C>T

Gene: RECQL4 (RecQ like helicase 4; minus strand). Cytogenetic location: 8q24.3.
Variant type: single nucleotide variant.
Coding change: c.1391-3C>T on transcript NM_004260.4 (MANE Select); 3 bases into the intron before coding-DNA position 1391, C replaced by T.
Molecular consequence: intron variant.
Genome position (GRCh38, 1-based): chr8:144,515,245, G>A on the plus strand (C>T on the coding strand, the complement: RECQL4 is on the minus strand). VCF-style: chr8-144515245-G-A. GRCh37 (hg19) VCF-style: chr8-145740629-G-A.
Identifiers: ClinVar variation 952758 (VCV000952758.6), dbSNP rs772931084, ClinGen allele CA4948873.

ClinVar aggregate classification (germline): Uncertain significance. Review status: criteria provided, multiple submitters, no conflicts (2 of 4 stars). 2 submissions from 2 submitters: Uncertain significance (2). Last evaluated 2025-10-23.

Conditions:
Rothmund-Thomson syndrome type 2 (RTS2). Identifiers: Orphanet 221016, MedGen C5203410, MONDO:0016369, OMIM 268400.
Baller-Gerold syndrome (BGS). Also called: CRANIOSYNOSTOSIS WITH RADIAL DEFECTS. Identifiers: Orphanet 1225, MedGen C0265308, MONDO:0009039, OMIM 218600.

Allele frequency attached by ClinVar (database versions not stated): gnomAD exomes below 0.00001; gnomAD 0.00001; TOPMed 0.00001; ExAC 0.00002.
gnomAD v4.1: 3 of 1,597,792 alleles (0.00019%); highest among the groups gnomAD compares: Non-Finnish European, 0.00017%; no homozygotes.

Submissions (2):

Labcorp Genetics (formerly Invitae), Labcorp
Classification: Uncertain significance for Baller-Gerold syndrome. Last evaluated: 2025-10-23. Review status: criteria provided, single submitter. Criteria: Invitae Variant Classification Sherloc (09022015). Collection method: clinical testing. Allele origin: germline.
Comment: This sequence change falls in intron 7 of the RECQL4 gene. It does not directly change the encoded amino acid sequence of the RECQL4 protein. It affects a nucleotide within the consensus splice site. The frequency data for this variant in the population databases is considered unreliable, as metrics indicate poor data quality at this position in the gnomAD database. This variant has not been reported in the literature in individuals affected with RECQL4-related conditions. ClinVar contains an entry for this variant (Variation ID: 952758). Variants that disrupt the consensus splice site are a relatively common cause of aberrant splicing (PMID: 17576681, 9536098). Algorithms developed to predict the effect of sequence changes on RNA splicing suggest that this variant is not likely to affect RNA splicing. In summary, the available evidence is currently insufficient to determine the role of this variant in disease. Therefore, it has been classified as a Variant of Uncertain Significance.

St. Jude Molecular Pathology, St. Jude Children's Research Hospital
Classification: Uncertain significance for Rothmund-Thomson syndrome type 2. Last evaluated: 2024-08-07. Review status: criteria provided, single submitter. Criteria: St. Jude Assertion Criteria 2020. Collection method: clinical testing. Allele origin: germline.
Comment: The RECQL4 c.1391-3C>T intronic change results in a C to T substitution at the -3 position of intron 7 of the RECQL4 gene. Algorithms that predict the impact of sequence changes on splicing indicate that this change may impact splicing, but to our knowledge these predictions have not been confirmed by RNA studies. This variant is absent in gnomAD v2.1.1. To our knowledge, this variant has not been reported in individuals with RECQL4-associated conditions. In summary, the evidence currently available is insufficient to determine the clinical significance of this variant. It has therefore been classified as of uncertain significance.

Literature cited by the submitters: PubMed 17576681 (cited by Labcorp Genetics (formerly Invitae), Labcorp); PubMed 9536098 (cited by Labcorp Genetics (formerly Invitae), Labcorp).